The following is an entry in ClinVar:

NC_000022.10:g.(?_50297486)_(50301612_?)del

Gene: ALG12 (ALG12 alpha-1,6-mannosyltransferase; minus strand). Cytogenetic location: 22q13.33.
Variant type: Deletion.
Identifiers: ClinVar variation 1450046 (VCV001450046.4).

ClinVar aggregate classification (germline): Uncertain significance (1 of 4 stars; one submission).

Conditions:
ALG12-congenital disorder of glycosylation (CDG1G). Also called: Congenital disorder of glycosylation, type Ig; CDG Ig; ALG12-CDG. Identifiers: Orphanet 79324, MedGen C2931001, MONDO:0011783, OMIM 607143.

Submission:

Labcorp Genetics (formerly Invitae), Labcorp
Classification: Uncertain significance for ALG12-congenital disorder of glycosylation. Last evaluated: 2022-08-11. Review status: criteria provided, single submitter. Criteria: Invitae Variant Classification Sherloc (09022015). Collection method: clinical testing. Allele origin: germline.
Comment: This variant is a gross deletion of the genomic region encompassing exon(s) 7-10 of the ALG12 gene, which includes the termination codon. This deletion extends beyond the assayed region for this gene and therefore may encompass additional genes. While this deletion is not anticipated to lead to nonsense mediated decay, it is expected to alter mRNA translation or result in a truncated protein product. This variant has not been reported in the literature in individuals affected with ALG12-related conditions. Experimental studies and prediction algorithms are not available or were not evaluated, and the functional significance of this variant is currently unknown. This variant disrupts a region of the ALG12 protein in which other variant(s) (p.Ser275Asn and p.Arg311Cys) have been observed in individuals with ALG12-related conditions (PMID: 15639192). This suggests that this is a clinically significant region of the protein, and that variants that disrupt it are likely to be disease-causing. In summary, the available evidence is currently insufficient to determine the role of this variant in disease. Therefore, it has been classified as a Variant of Uncertain Significance.

Literature cited by the submitters: PubMed 15639192.